The following is an entry in ClinVar:

NM_022124.6(CDH23):c.2975C>T (p.Thr992Met)

Gene: CDH23 (cadherin related 23; plus strand). Cytogenetic location: 10q22.1.
Variant type: single nucleotide variant.
Coding change: c.2975C>T on transcript NM_022124.6 (MANE Select); coding-DNA position 2975, C replaced by T.
Protein change: p.Thr992Met; replaces threonine 992 with methionine.
Molecular consequence: missense variant.
Genome position (GRCh38, 1-based): chr10:71,706,918, C>T. VCF-style: chr10-71706918-C-T. GRCh37 (hg19) VCF-style: chr10-73466675-C-T.
Other names: c.2975C>T (NM_022124.5); c.2975C>T, p.Thr992Met (NM_001171930.2, NM_001171931.2); short protein forms T992M.
Identifiers: ClinVar variation 989820 (VCV000989820.4), dbSNP rs765270590, ClinGen allele CA5544411.

ClinVar aggregate classification (germline): Uncertain significance. Review status: criteria provided, multiple submitters, no conflicts (2 of 4 stars). 3 submissions from 3 submitters: Uncertain significance (2). 1 of the submissions does not count toward it. Last evaluated 2023-05-08.

Conditions:
Usher syndrome type 1 (USH1). Also called: RETINITIS PIGMENTOSA AND CONGENITAL DEAFNESS. Identifiers: Orphanet 231169, Orphanet 886, MedGen C1568247, MONDO:0010168, OMIM 276900.

Allele frequency attached by ClinVar (database versions not stated): gnomAD exomes 0.00003 and 0.00002; TOPMed below 0.00001; gnomAD 0.00001; ExAC 0.00005.
gnomAD v4.1: 35 of 1,603,884 alleles (0.0022%); highest among the groups gnomAD compares: Admixed American, 0.0068%; no homozygotes.

Submissions (3):

Women's Health and Genetics/Laboratory Corporation of America, LabCorp
Classification: Uncertain significance. Last evaluated: 2023-05-08. Review status: criteria provided, single submitter. Criteria: LabCorp Variant Classification Summary - May 2015. Collection method: clinical testing. Allele origin: germline.
Comment: Variant summary: CDH23 c.2975C>T (p.Thr992Met) results in a non-conservative amino acid change in the encoded protein sequence. Four of five in-silico tools predict a benign effect of the variant on protein function. The variant allele was found at a frequency of 3e-05 in 230994 control chromosomes. The available data on variant occurrences in the general population are insufficient to allow any conclusion about variant significance. c.2975C>T has been reported in the literature in a heterozygous individual affected with profound hearing loss (Gao_2021). This report does not provide unequivocal conclusions about association of the variant with Usher Syndrome. To our knowledge, no experimental evidence demonstrating an impact on protein function has been reported. The following publications have been ascertained in the context of this evaluation (PMID: 34403091). Two clinical diagnostic laboratories have submitted clinical-significance assessments for this variant to ClinVar after 2014 without evidence for independent evaluation. All laboratories classified the variant as uncertain significance. Based on the evidence outlined above, the variant was classified as uncertain significance.

Labcorp Genetics (formerly Invitae), Labcorp
Classification: Uncertain significance. Last evaluated: 2022-04-10. Review status: criteria provided, single submitter. Criteria: Invitae Variant Classification Sherloc (09022015). Collection method: clinical testing. Allele origin: germline.
Comment: This sequence change replaces threonine, which is neutral and polar, with methionine, which is neutral and non-polar, at codon 992 of the CDH23 protein (p.Thr992Met). The frequency data for this variant in the population databases is considered unreliable, as metrics indicate poor data quality at this position in the gnomAD database. This variant has not been reported in the literature in individuals affected with CDH23-related conditions. ClinVar contains an entry for this variant (Variation ID: 989820). Algorithms developed to predict the effect of missense changes on protein structure and function output the following: SIFT: "Tolerated"; PolyPhen-2: "Not Available"; Align-GVGD: "Class C0". The methionine amino acid residue is found in multiple mammalian species, which suggests that this missense change does not adversely affect protein function. In summary, the available evidence is currently insufficient to determine the role of this variant in disease. Therefore, it has been classified as a Variant of Uncertain Significance.

Natera, Inc.
Classification: Uncertain significance for Usher syndrome type 1. Last evaluated: 2020-04-15. Review status: no assertion criteria provided. Collection method: clinical testing. Allele origin: germline. Not counted in ClinVar's aggregate classification.

Literature cited by the submitters: PubMed 34403091 (cited by Women's Health and Genetics/Laboratory Corporation of America, LabCorp).